The following is an entry in ClinVar:

ClinVar aggregate classification (germline): Uncertain significance (1 of 4 stars; one submission).

Conditions:
Immunodeficiency. Identifiers: MedGen C0021051, MONDO:0021094, HP:0002721.

Submission:

Labcorp Genetics (formerly Invitae), Labcorp
Classification: Uncertain significance for Immunodeficiency. Last evaluated: 2023-12-31. Review status: criteria provided, single submitter. Criteria: Invitae Variant Classification Sherloc (09022015). Collection method: clinical testing. Allele origin: germline.
Comment: This variant, c.3567_3569dup, results in the insertion of 1 amino acid(s) of the NFAT5 protein (p.Gln1190dup), but otherwise preserves the integrity of the reading frame. The frequency data for this variant in the population databases is considered unreliable, as metrics indicate poor data quality at this position in the gnomAD database. This variant has not been reported in the literature in individuals affected with NFAT5-related conditions. In summary, the available evidence is currently insufficient to determine the role of this variant in disease. Therefore, it has been classified as a Variant of Uncertain Significance.

NM_138713.4(NFAT5):c.3843ACA[4] (p.Gln1284_Ser1285insGln)

Gene: NFAT5 (nuclear factor of activated T cells 5; plus strand). Cytogenetic location: 16q22.1.
Variant type: Microsatellite.
Coding change: c.3843ACA[4] on transcript NM_138713.4 (MANE Select); four copies in a row of the 3-base unit ACA starting at c.3843; the reference has three copies in a row; one copy, 3 bases duplicated.
Protein change: p.Gln1284_Ser1285insGln.
Molecular consequence: inframe insertion.
Genome position (GRCh38, 1-based): chr16:69,693,674-69,693,676, ACA duplicated; duplicating any 3 consecutive bases within chr16:69,693,666-69,693,676 gives the same sequence; the position shown is the placement nearest the transcript's 3' end. VCF-style (leftmost placement, unchanged base first): chr16-69693665-G-GCAA. GRCh37 (hg19) VCF-style: chr16-69727568-G-GCAA.
Other names: c.3840ACA[4], p.Gln1283_Ser1284insGln (NM_001113178.3); c.3168ACA[4], p.Gln1059_Ser1060insGln (NM_001367709.1); c.3789ACA[4], p.Gln1266_Ser1267insGln (NM_006599.4); c.3561ACA[4], p.Gln1190_Ser1191insGln (NM_138714.4, NM_173214.3, NM_173215.3).
Identifiers: ClinVar variation 2989597 (VCV002989597.3), dbSNP rs774263990, ClinGen allele CA8135967.